The following is an entry in ClinVar:

ClinVar aggregate classification (germline): Uncertain significance (1 of 4 stars; one submission).

Conditions:
Norman-Roberts syndrome (LIS2). Also called: Lissencephaly 2 (Norman-Roberts type). Identifiers: Orphanet 89844, MedGen C0796089, MONDO:0009760, OMIM 257320.
Familial temporal lobe epilepsy 7. Identifiers: Orphanet 101046, MedGen C4225327, MONDO:0014639, OMIM 616436.

Allele frequency attached by ClinVar (database versions not stated): gnomAD exomes below 0.00001.
gnomAD v4.1: 1 of 1,613,414 alleles (0.000062%); highest among the groups gnomAD compares: Non-Finnish European, 0.000085%; no homozygotes.

Submission:

Labcorp Genetics (formerly Invitae), Labcorp
Classification: Uncertain significance for Familial temporal lobe epilepsy 7; Norman-Roberts syndrome. Last evaluated: 2025-10-26. Review status: criteria provided, single submitter. Criteria: Invitae Variant Classification Sherloc (09022015). Collection method: clinical testing. Allele origin: germline.
Comment: This sequence change replaces serine, which is neutral and polar, with cysteine, which is neutral and slightly polar, at codon 906 of the RELN protein (p.Ser906Cys). This variant is present in population databases (no rsID available, gnomAD 0.0009%). This variant has not been reported in the literature in individuals affected with RELN-related conditions. ClinVar contains an entry for this variant (Variation ID: 475954). Invitae Evidence Modeling of protein sequence and biophysical properties (such as structural, functional, and spatial information, amino acid conservation, physicochemical variation, residue mobility, and thermodynamic stability) indicates that this missense variant is not expected to disrupt RELN protein function with a negative predictive value of 80%. In summary, the available evidence is currently insufficient to determine the role of this variant in disease. Therefore, it has been classified as a Variant of Uncertain Significance.

NM_005045.4(RELN):c.2717C>G (p.Ser906Cys)

Gene: RELN (reelin; minus strand). Cytogenetic location: 7q22.1.
Variant type: single nucleotide variant.
Coding change: c.2717C>G on transcript NM_005045.4 (MANE Select); coding-DNA position 2717, C replaced by G.
Protein change: p.Ser906Cys; replaces serine 906 with cysteine.
Molecular consequence: missense variant.
Genome position (GRCh38, 1-based): chr7:103,611,789, G>C on the plus strand (C>G on the coding strand, the complement: RELN is on the minus strand). VCF-style: chr7-103611789-G-C. GRCh37 (hg19) VCF-style: chr7-103252236-G-C.
Other names: c.2717C>G, p.Ser906Cys (NM_173054.3); short protein forms S906C.
Identifiers: ClinVar variation 475954 (VCV000475954.9), dbSNP rs1174257090, ClinGen allele CA368754851.
Genomic context (GRCh38, chr7:103,611,789, plus strand): 5'-TAGGATGCTCCTATCTGCATTGATTGTGTTTCCACATAGCGCATACTTGAGGCAAGTTTA[G>C]AATCTCCTGTAAAACTGAAAGAGACAGAGATGGAAATCAGAAAATTCTAAACACAATGTA-3'
Protein context (NP_005036.2, residues 896-916): HDWTLCFTGD[Ser906Cys]KLASSMRYVE